The following is an entry in ClinVar:

ClinVar aggregate classification (germline): Conflicting classifications of pathogenicity. Review status: criteria provided, conflicting classifications (1 of 4 stars). 5 submissions from 5 submitters: Likely pathogenic (1); Uncertain significance (4). Last evaluated 2024-08-22.

Conditions:
Ullrich congenital muscular dystrophy 1A. Also called: Ullrich congenital muscular dystrophy 1; Intermediate COL6-RD. Identifiers: Orphanet 75840, MedGen C0410179, MONDO:0009681, OMIM 254090.
Bethlem myopathy 1A. Also called: Bethlem myopathy 1; MYOPATHY, BENIGN CONGENITAL, WITH CONTRACTURES; Bethlem Muscular Dystrophy. Identifiers: Orphanet 610, MedGen CN029274, MONDO:0024530, OMIM 158810.
Ullrich congenital muscular dystrophy 1B (UCMD1B). Identifiers: MedGen C5935582, MONDO:0958235, OMIM 620727.

Submissions (5):

GeneDx
Classification: Likely pathogenic. Last evaluated: 2024-08-22. Review status: criteria provided, single submitter. Criteria: GeneDx Variant Classification Process June 2021. Collection method: clinical testing. Allele origin: germline. Affected: yes.
Comment: Identified in a patient with features of limb-girdle muscular dystrophy in the published literature (PMID: 37526466); In-frame deletion of 1 amino acid in a non-repeat region; In silico analysis supports a deleterious effect on protein structure/function; Not observed at significant frequency in large population cohorts (gnomAD); This variant is associated with the following publications: (PMID: 34167565, 37526466)

Labcorp Genetics (formerly Invitae), Labcorp
Classification: Uncertain significance for Bethlem myopathy 1A. Last evaluated: 2024-08-21. Review status: criteria provided, single submitter. Criteria: Invitae Variant Classification Sherloc (09022015). Collection method: clinical testing. Allele origin: germline.
Comment: This variant, c.2741_2743del, results in the deletion of 1 amino acid(s) of the COL6A2 protein (p.Phe914del), but otherwise preserves the integrity of the reading frame. This variant is present in population databases (rs746930351, gnomAD 0.001%). This variant has been observed in individual(s) with clinical features of COL6A2-related conditions (PMID: 34167565, 37526466). In at least one individual the variant was observed to be de novo. ClinVar contains an entry for this variant (Variation ID: 283995). Experimental studies and prediction algorithms are not available or were not evaluated, and the functional significance of this variant is currently unknown. In summary, the available evidence is currently insufficient to determine the role of this variant in disease. Therefore, it has been classified as a Variant of Uncertain Significance.

Genomic Medicine Center of Excellence, King Faisal Specialist Hospital and Research Centre
Classification: Uncertain significance for Ullrich congenital muscular dystrophy 1B. Last evaluated: 2024-03-25. Review status: criteria provided, single submitter. Criteria: ACMG Guidelines, 2015. Collection method: research. Allele origin: germline.

Eurofins Ntd Llc (ga)
Classification: Uncertain significance. Last evaluated: 2015-10-08. Review status: criteria provided, single submitter. Criteria: EGL Classification Definitions 2015. Collection method: clinical testing. Allele origin: germline. Observed: 2 variant alleles, 2 heterozygotes.

Neuberg Centre For Genomic Medicine, NCGM
Classification: Uncertain significance for Ullrich congenital muscular dystrophy 1A. Review status: criteria provided, single submitter. Criteria: ACMG Guidelines, 2015. Collection method: clinical testing. Allele origin: germline. Inheritance: Autosomal recessive inheritance. Affected: yes.
Comment: The inframe deletion variant c.2741_2743del in COL6A2 has been submitted to ClinVar as a Variant of Uncertain Significance (VUS), but no details are available for independent assessment. This variant has been observed in individual with autosomal dominant Bethlem myopathy (Inoue et. al., 2021). The p.Phe914del variant is novel (not in any individuals) in 1000 Genomes and has allele frequency of 0.0005% in gnomAD database. This p.Phe914del causes deletion of amino acid Phenylalanine at position 914. For these reasons, this variant has been classified as Uncertain Significance (VUS).

Literature cited by the submitters: PubMed 34167565 (cited by Labcorp Genetics (formerly Invitae), Labcorp); PubMed 37526466 (cited by Labcorp Genetics (formerly Invitae), Labcorp).

NM_001849.4(COL6A2):c.2741_2743del (p.Phe914del)

Gene: COL6A2 (collagen type VI alpha 2 chain; plus strand). Cytogenetic location: 21q22.3.
Variant type: Deletion.
Coding change: c.2741_2743del on transcript NM_001849.4 (MANE Select); coding-DNA positions 2741 to 2743, 3 bases deleted (TCT; older notation c.2741_2743delTCT).
Protein change: p.Phe914del; deletes phenylalanine 914.
Molecular consequence: inframe deletion.
Genome position (GRCh38, 1-based): chr21:46,132,233-46,132,235, TCT deleted; deleting any 3 consecutive bases within chr21:46,132,231-46,132,235 gives the same sequence; the c. name uses the placement nearest the transcript's 3' end. VCF-style (leftmost placement, unchanged base first): chr21-46132230-CCTT-C. GRCh37 (hg19) VCF-style: chr21-47552144-CCTT-C.
Other names: c.2741_2743del (NM_001849.3); short protein forms F914del.
Identifiers: ClinVar variation 283995 (VCV000283995.13), dbSNP rs746930351, ClinGen allele CA10072998.